The following is an entry in ClinVar:

GRCh37/hg19 19q11-12(chr19:27923819-28852848)x3

Variant type: copy number gain.
Change: copy number 3 (three copies instead of two) of chr19:27,923,819-28,852,848 (929.0 kb, GRCh37 coordinates, 1-based), cytogenetic band 19q11-12.
Identifiers: ClinVar variation 202231 (VCV000202231.4).

ClinVar aggregate classification (germline): Likely benign (1 of 4 stars; one submission).

Submission:

Cytogenetics Laboratory, University of Washington
Classification: Likely benign. Last evaluated: 2015-04-21. Review status: criteria provided, single submitter. Criteria: UW Cytogenetics and Genomics Laboratory Policy on CNV Interpretation (5/6/2015). Collection method: clinical testing. Allele origin: unknown. Affected: yes. Observed: 1 variant allele.